The following is an entry in ClinVar:

ClinVar aggregate classification (germline): Uncertain significance (1 of 4 stars; one submission).

Conditions:
Hyperekplexia 3 (HKPX3). Also called: HYPEREKPLEXIA 3, AUTOSOMAL RECESSIVE; HYPEREKPLEXIA 3, AUTOSOMAL DOMINANT. Identifiers: Orphanet 3197, MedGen C3553288, MONDO:0013827, OMIM 614618.

Submission:

Labcorp Genetics (formerly Invitae), Labcorp
Classification: Uncertain significance for Hyperekplexia 3. Last evaluated: 2025-06-20. Review status: criteria provided, single submitter. Criteria: Invitae Variant Classification Sherloc (09022015). Collection method: clinical testing. Allele origin: germline.
Comment: This sequence change falls in intron 2 of the SLC6A5 gene. It does not directly change the encoded amino acid sequence of the SLC6A5 protein. It affects a nucleotide within the consensus splice site. This variant is not present in population databases (gnomAD no frequency). This variant has not been reported in the literature in individuals affected with SLC6A5-related conditions. ClinVar contains an entry for this variant (Variation ID: 1383962). Variants that disrupt the consensus splice site are a relatively common cause of aberrant splicing (PMID: 17576681, 9536098). Algorithms developed to predict the effect of sequence changes on RNA splicing suggest that this variant is not likely to affect RNA splicing. In summary, the available evidence is currently insufficient to determine the role of this variant in disease. Therefore, it has been classified as a Variant of Uncertain Significance.

Literature cited by the submitters: PubMed 17576681; PubMed 9536098.

NM_004211.5(SLC6A5):c.540+5G>A

Gene: SLC6A5 (solute carrier family 6 member 5; plus strand). Cytogenetic location: 11p15.1.
Variant type: single nucleotide variant.
Coding change: c.540+5G>A on transcript NM_004211.5 (MANE Select); 5 bases into the intron after coding-DNA position 540, G replaced by A.
Molecular consequence: intron variant.
Genome position (GRCh38, 1-based): chr11:20,601,670, G>A. VCF-style: chr11-20601670-G-A. GRCh37 (hg19) VCF-style: chr11-20623216-G-A.
Other names: c.-24+5G>A (NM_001318369.2).
Identifiers: ClinVar variation 1383962 (VCV001383962.6), dbSNP rs2133768665, ClinGen allele CA2573146240.